The following is an entry in ClinVar:

ClinVar aggregate classification (germline): Uncertain significance (1 of 4 stars; one submission).

Conditions:
Cardiovascular phenotype. Identifiers: MedGen CN230736.

Submission:

Ambry Genetics
Classification: Uncertain significance for Cardiovascular phenotype. Last evaluated: 2023-02-20. Review status: criteria provided, single submitter. Criteria: Ambry Variant Classification Scheme 2023. Collection method: clinical testing. Allele origin: germline.
Comment: The p.E48K variant (also known as c.142G>A), located in coding exon 1 of the SCN10A gene, results from a G to A substitution at nucleotide position 142. The glutamic acid at codon 48 is replaced by lysine, an amino acid with similar properties. This amino acid position is conserved. In addition, this alteration is predicted to be tolerated by in silico analysis. Since supporting evidence is limited at this time, the clinical significance of this alteration remains unclear.

NM_006514.4(SCN10A):c.142G>A (p.Glu48Lys)

Gene: SCN10A (sodium voltage-gated channel alpha subunit 10; minus strand). Cytogenetic location: 3p22.2.
Variant type: single nucleotide variant.
Coding change: c.142G>A on transcript NM_006514.4 (MANE Select); coding-DNA position 142, G replaced by A.
Protein change: p.Glu48Lys; replaces glutamic acid 48 with lysine.
Molecular consequence: missense variant.
Genome position (GRCh38, 1-based): chr3:38,793,869, C>T on the plus strand (G>A on the coding strand, the complement: SCN10A is on the minus strand). VCF-style: chr3-38793869-C-T. GRCh37 (hg19) VCF-style: chr3-38835360-C-T.
Other names: c.142G>A, p.Glu48Lys (NM_001293306.2, NM_001293307.2); short protein forms E48K.
Identifiers: ClinVar variation 2448856 (VCV002448856.2), dbSNP rs1433639626, ClinGen allele CA352162988.
Genomic context (GRCh38, chr3:38,793,869, plus strand): 5'-CATAGAACTTGGGCAGCTGGTTGCAGGCTTTCAAGTCCAGCTGGGGCCGAGGCTTCTCTT[C>T]TTGGTCCTTCTGCTCCCTATGCTTCTCTCTGGCTTTCTTTGTTCCCTGCTTGGCAGCAAT-3'
Protein context (NP_006505.4, residues 38-58): REKHREQKDQ[Glu48Lys]EKPRPQLDLK